The following is an entry in ClinVar:

NM_006147.4(IRF6):c.262A>C (p.Asn88His)

Gene: IRF6 (interferon regulatory factor 6; minus strand). Cytogenetic location: 1q32.2.
Variant type: single nucleotide variant.
Coding change: c.262A>C on transcript NM_006147.4 (MANE Select); coding-DNA position 262, A replaced by C.
Protein change: p.Asn88His; replaces asparagine 88 with histidine.
Molecular consequence: missense variant. On other transcripts: 5 prime UTR variant (1).
Genome position (GRCh38, 1-based): chr1:209,796,465, T>G on the plus strand (A>C on the coding strand, the complement: IRF6 is on the minus strand). VCF-style: chr1-209796465-T-G. GRCh37 (hg19) VCF-style: chr1-209969810-T-G.
Other names: c.-24A>C (NM_001206696.2); short protein forms N88H.
Identifiers: ClinVar variation 1723691 (VCV001723691.2), dbSNP rs2464683612, ClinGen allele CA344583267.

ClinVar aggregate classification (germline): Likely pathogenic (1 of 4 stars; one submission).

Submission:

GeneDx
Classification: Likely pathogenic. Last evaluated: 2022-05-10. Review status: criteria provided, single submitter. Criteria: GeneDx Variant Classification Process June 2021. Collection method: clinical testing. Allele origin: germline. Affected: yes.
Comment: Reported in a patient with Van der Woude syndrome in published literature (Kondo et al., 2002); clinical details are limited; Not observed at significant frequency in large population cohorts (gnomAD); In silico analysis supports that this missense variant has a deleterious effect on protein structure/function; This variant is associated with the following publications: (PMID: 12219090)